The following is an entry in ClinVar:

NM_005708.5(GPC6):c.1184C>A (p.Ser395Tyr)

Gene: GPC6 (glypican 6; plus strand). Cytogenetic location: 13q31.3.
Variant type: single nucleotide variant.
Coding change: c.1184C>A on transcript NM_005708.5 (MANE Select); coding-DNA position 1184, C replaced by A.
Protein change: p.Ser395Tyr; replaces serine 395 with tyrosine.
Molecular consequence: missense variant.
Genome position (GRCh38, 1-based): chr13:94,382,445, C>A. VCF-style: chr13-94382445-C-A. GRCh37 (hg19) VCF-style: chr13-95034699-C-A.
Other names: short protein forms S395Y.
Identifiers: ClinVar variation 1992800 (VCV001992800.4), dbSNP rs772066024, ClinGen allele CA7017116.
Genomic context (GRCh38, chr13:94,382,445, plus strand): 5'-TCACTTGCTTTCCTTGGTTTCTTGATCAGGTCACAGACATAAAAGAGAAATTGAAGCTCT[C>A]TAAAAAGGTCTGGTCAGCATTACCCTACACTATCTGCAAGGACGAGAGCGTGACAGCGGG-3'
Protein context (NP_005699.1, residues 385-405): VTDIKEKLKL[Ser395Tyr]KKVWSALPYT

ClinVar aggregate classification (germline): Uncertain significance (1 of 4 stars; one submission).

Allele frequency attached by ClinVar (database versions not stated): gnomAD exomes below 0.00001; ExAC 0.00001.
gnomAD v4.1: 1 of 1,614,108 alleles (0.000062%); highest among the groups gnomAD compares: Non-Finnish European, 0.000085%; no homozygotes.

Submission:

Labcorp Genetics (formerly Invitae), Labcorp
Classification: Uncertain significance. Last evaluated: 2023-05-22. Review status: criteria provided, single submitter. Criteria: Invitae Variant Classification Sherloc (09022015). Collection method: clinical testing. Allele origin: germline.
Comment: ClinVar contains an entry for this variant (Variation ID: 1992800). Advanced modeling of protein sequence and biophysical properties (such as structural, functional, and spatial information, amino acid conservation, physicochemical variation, residue mobility, and thermodynamic stability) performed at Invitae indicates that this missense variant is not expected to disrupt GPC6 protein function. In summary, the available evidence is currently insufficient to determine the role of this variant in disease. Therefore, it has been classified as a Variant of Uncertain Significance. This sequence change replaces serine, which is neutral and polar, with tyrosine, which is neutral and polar, at codon 395 of the GPC6 protein (p.Ser395Tyr). This variant is present in population databases (rs772066024, gnomAD 0.0009%). This variant has not been reported in the literature in individuals affected with GPC6-related conditions.